The following is an entry in ClinVar:

NM_024503.5(HIVEP3):c.6951G>A (p.Arg2317=)

Gene: HIVEP3 (HIVEP zinc finger 3; minus strand). Cytogenetic location: 1p34.2.
Variant type: single nucleotide variant.
Coding change: c.6951G>A on transcript NM_024503.5 (MANE Select); coding-DNA position 6951, G replaced by A.
Protein change: p.Arg2317=; no amino-acid change (arginine 2317 retained).
Molecular consequence: synonymous variant.
Genome position (GRCh38, 1-based): chr1:41,510,721, C>T on the plus strand (G>A on the coding strand, the complement: HIVEP3 is on the minus strand). VCF-style: chr1-41510721-C-T. GRCh37 (hg19) VCF-style: chr1-41976392-C-T.
Other names: c.6948G>A, p.Arg2316= (NM_001127714.3).
Identifiers: ClinVar variation 2638728 (VCV002638728.24), dbSNP rs554844874, ClinGen allele CA797049.

ClinVar aggregate classification (germline): Likely benign (1 of 4 stars; one submission).

Allele frequency attached by ClinVar (database versions not stated): gnomAD 0.00013; 1000 Genomes Project 30x 0.00031; TOPMed 0.00034; 1000 Genomes Project 0.00040.
gnomAD v4.1: 46 of 1,538,172 alleles (0.003%); highest among the groups gnomAD compares: Admixed American, 0.066%; 1 homozygote.

Submission:

CeGaT Center for Human Genetics Tuebingen
Classification: Likely benign. Last evaluated: 2022-10-01. Review status: criteria provided, single submitter. Criteria: CeGaT Center For Human Genetics Tuebingen Variant Classification Criteria Version 2. Collection method: clinical testing. Allele origin: germline. Affected: yes. Observed: 1 variant allele.
Comment: HIVEP3: BP4